The following is an entry in ClinVar:

ClinVar aggregate classification (germline): Likely benign. Review status: criteria provided, multiple submitters, no conflicts (2 of 4 stars). 3 submissions from 3 submitters: Likely benign (3). Last evaluated 2026-01-07.

Conditions:
DYRK1B-related disorder. Also called: DYRK1B-related condition.

Allele frequency attached by ClinVar (database versions not stated): TOPMed 0.00003; ExAC 0.00005; gnomAD 0.00007.
gnomAD v4.1: 46 of 1,576,412 alleles (0.0029%); highest among the groups gnomAD compares: Middle Eastern, 0.017%; no homozygotes.

Submissions (3):

Labcorp Genetics (formerly Invitae), Labcorp
Classification: Likely benign. Last evaluated: 2026-01-07. Review status: criteria provided, single submitter. Criteria: Invitae Variant Classification Sherloc (09022015). Collection method: clinical testing. Allele origin: germline.

PreventionGenetics, part of Exact Sciences
Classification: Likely benign for DYRK1B-related condition. Last evaluated: 2024-11-15. Review status: criteria provided, single submitter. Criteria: ACMG Guidelines, 2015. Collection method: clinical testing. Allele origin: germline.
Comment: This variant is classified as likely benign based on ACMG/AMP sequence variant interpretation guidelines (Richards et al. 2015 PMID: 25741868, with internal and published modifications).

Blueprint Genetics
Classification: Likely benign. Last evaluated: 2022-10-11. Review status: criteria provided, single submitter. Criteria: ACMG Guidelines, 2015. Collection method: clinical testing. Allele origin: germline.

NM_004714.3(DYRK1B):c.1416C>T (p.Gly472=)

Gene: DYRK1B (dual specificity tyrosine phosphorylation regulated kinase 1B; minus strand). Cytogenetic location: 19q13.2.
Variant type: single nucleotide variant.
Coding change: c.1416C>T on transcript NM_004714.3 (MANE Select); coding-DNA position 1416, C replaced by T.
Protein change: p.Gly472=; no amino-acid change (glycine 472 retained).
Molecular consequence: synonymous variant.
Genome position (GRCh38, 1-based): chr19:39,826,282, G>A on the plus strand (C>T on the coding strand, the complement: DYRK1B is on the minus strand). VCF-style: chr19-39826282-G-A. GRCh37 (hg19) VCF-style: chr19-40316922-G-A.
Other names: c.1296C>T, p.Gly432= (NM_006483.3); c.1332C>T, p.Gly444= (NM_006484.3); c.1416C>T (NM_004714.2).
Identifiers: ClinVar variation 2904091 (VCV002904091.5), dbSNP rs768432521, ClinGen allele CA9434036.